The following is an entry in ClinVar:

NM_000064.4(C3):c.3710T>C (p.Leu1237Pro)

Gene: C3 (complement C3; minus strand). Cytogenetic location: 19p13.3.
Variant type: single nucleotide variant.
Coding change: c.3710T>C on transcript NM_000064.4 (MANE Select); coding-DNA position 3710, T replaced by C.
Protein change: p.Leu1237Pro; replaces leucine 1237 with proline.
Molecular consequence: missense variant.
Genome position (GRCh38, 1-based): chr19:6,686,224, A>G on the plus strand (T>C on the coding strand, the complement: C3 is on the minus strand). VCF-style: chr19-6686224-A-G. GRCh37 (hg19) VCF-style: chr19-6686235-A-G.
Other names: short protein forms L1237P.
Identifiers: ClinVar variation 4976828 (VCV004976828.1).

ClinVar aggregate classification (germline): Uncertain significance (1 of 4 stars; one submission).

Conditions:
Complement component 3 deficiency. Identifiers: Orphanet 280133, MedGen C3151071, MONDO:0013417, OMIM 613779.

Submission:

Genomenon, Inc
Classification: Uncertain significance for Complement component 3 deficiency. Last evaluated: 2026-09-17. Review status: criteria provided, single submitter. Criteria: Genomenon Sequence Variant Interpretation Standards - Updated. Collection method: curation. Allele origin: germline. Affected: yes.
Comment: C3 p.Leu1237Pro (c.3710T>C) is a missense variant that changes the amino acid at codon 1237 from Leucine to Proline. This variant has been observed in at least one proband affected with C3 deficiency (PMID:33563058). The variant was found to segregate with disease in at least one affected family (PMID:33563058). It is absent or not present at a significant frequency in gnomAD. In silico models predict that this variant is possibly or probably damaging. In conclusion, we classify C3 p.Leu1237Pro (c.3710T>C) as a variant of uncertain significance.

Literature cited by the submitters: PubMed 33563058.